The following is an entry in ClinVar:

NM_001377.3(DYNC2H1):c.9167C>G (p.Ser3056Ter)

Gene: DYNC2H1 (dynein cytoplasmic 2 heavy chain 1; plus strand). Cytogenetic location: 11q22.3.
Variant type: single nucleotide variant.
Coding change: c.9167C>G on transcript NM_001377.3 (MANE Select); coding-DNA position 9167, C replaced by G.
Protein change: p.Ser3056Ter; replaces serine 3056 with a stop codon.
Molecular consequence: nonsense.
Genome position (GRCh38, 1-based): chr11:103,222,089, C>G. VCF-style: chr11-103222089-C-G. GRCh37 (hg19) VCF-style: chr11-103092818-C-G.
Other names: c.9167C>G, p.Ser3056Ter (NM_001080463.2); short protein forms S3056*.
Identifiers: ClinVar variation 2710112 (VCV002710112.5), dbSNP rs2496461164, ClinGen allele CA382264395.
Genomic context (GRCh38, chr11:103,222,089, plus strand): 5'-GTTTCCTTGCAAAAAGAGGTGTAAGAGAAGACATAGCAACCTTTGATGCCCGAAATATTT[C>G]AAAGGAAATAAGAGAGAGTGTTGAAGAACTTCTTTTTAAAAATAAAGGCTCTTTTGATCC-3'

ClinVar aggregate classification (germline): Pathogenic/Likely pathogenic. Review status: criteria provided, multiple submitters, no conflicts (2 of 4 stars). 3 submissions from 3 submitters: Pathogenic (2); Likely pathogenic (1). Last evaluated 2025-06-15.

Conditions:
DYNC2H1-related disorder. Also called: DYNC2H1-related disorders; DYNC2H1-related condition. Identifiers: MedGen CN378770.
Jeune thoracic dystrophy. Also called: Jeune syndrome; Infantile thoracic dystrophy; Thoracic pelvic phalangeal dystrophy; Jeune's syndrome; Chondroectodermal dysplasia-like syndrome; Short-rib thoracic dysplasia. Identifiers: Orphanet 474, MedGen C0265275, MONDO:0018770.
Asphyxiating thoracic dystrophy 3. Also called: Saldino-Noonan Syndrome; SHORT-RIB THORACIC DYSPLASIA 3 WITH OR WITHOUT POLYDACTYLY; POLYDACTYLY WITH NEONATAL CHONDRODYSTROPHY, TYPE I; SHORT-RIB THORACIC DYSPLASIA 3/6 WITH POLYDACTYLY, DIGENIC; Short rib polydactyly syndrome 2B. Identifiers: Orphanet 474, Orphanet 93269, Orphanet 93270, Orphanet 93271, MedGen C0036069, MONDO:0013127, OMIM 613091.

Submissions (3):

Myriad Genetics, Inc.
Classification: Pathogenic for Asphyxiating thoracic dystrophy 3. Last evaluated: 2025-06-15. Review status: criteria provided, single submitter. Criteria: Myriad Autosomal Dominant, Autosomal Recessive and X-Linked Classification Criteria (2023). Collection method: clinical testing. Allele origin: unknown.
Comment: NM_001377.2(DYNC2H1):c.9167C>G(S3056*) is expected to be pathogenic in the context of DYNC2H1-related disorders. This variant is predicted to lead to an abnormal or absent protein product due to the creation of a premature termination codon in DYNC2H1, a gene where loss-of-function variants are known to be pathogenic. Please note: this variant was assessed in the context of healthy population screening.

Labcorp Genetics (formerly Invitae), Labcorp
Classification: Pathogenic for Jeune thoracic dystrophy. Last evaluated: 2024-01-18. Review status: criteria provided, single submitter. Criteria: Invitae Variant Classification Sherloc (09022015). Collection method: clinical testing. Allele origin: germline.
Comment: This sequence change creates a premature translational stop signal (p.Ser3056*) in the DYNC2H1 gene. It is expected to result in an absent or disrupted protein product. Loss-of-function variants in DYNC2H1 are known to be pathogenic (PMID: 23339108, 32753734, 33755199). This variant is not present in population databases (gnomAD no frequency). This variant has not been reported in the literature in individuals affected with DYNC2H1-related conditions. For these reasons, this variant has been classified as Pathogenic.

Blueprint Genetics
Classification: Likely pathogenic for DYNC2H1-related disorders. Last evaluated: 2023-05-19. Review status: criteria provided, single submitter. Criteria: ACMG Guidelines, 2015. Collection method: clinical testing. Allele origin: germline. Affected: yes. Observed: 1 variant allele.

Literature cited by the submitters: PubMed 23339108 (cited by Labcorp Genetics (formerly Invitae), Labcorp); PubMed 32753734 (cited by Labcorp Genetics (formerly Invitae), Labcorp); PubMed 33755199 (cited by Labcorp Genetics (formerly Invitae), Labcorp).